The following is an entry in ClinVar:

NM_006494.4(ERF):c.1212_1223dup (p.Gly408_Leu409insSerAlaGlyGly)

Gene: ERF (ETS2 repressor factor; minus strand). Cytogenetic location: 19q13.2.
Variant type: Duplication.
Coding change: c.1212_1223dup on transcript NM_006494.4 (MANE Select); coding-DNA positions 1212 to 1223, 12 bases duplicated (CAGTGCAGGCGG).
Protein change: p.Gly408_Leu409insSerAlaGlyGly.
Molecular consequence: inframe insertion.
Genome position (GRCh38, 1-based): chr19:42,248,889-42,248,900, CCGCCTGCACTG duplicated on the plus strand (CAGTGCAGGCGG on the coding strand, the reverse complement: ERF is on the minus strand); duplicating any 12 consecutive bases within chr19:42,248,889-42,248,902 gives the same sequence; the c. name uses the placement nearest the transcript's 3' end. VCF-style (leftmost placement, unchanged base first): chr19-42248888-C-CCCGCCTGCACTG. GRCh37 (hg19) VCF-style: chr19-42753040-C-CCCGCCTGCACTG.
Other names: c.987_998dup, p.Gly333_Leu334insSerAlaGlyGly (NM_001301035.2, NM_001308402.2, NM_001312656.2 and 1 more transcripts); c.405_416dup, p.Gly139_Leu140insSerAlaGlyGly (NM_001440421.1).
Identifiers: ClinVar variation 5017755 (VCV005017755.1).

ClinVar aggregate classification (germline): Uncertain significance (1 of 4 stars; one submission).

Submission:

GeneDx
Classification: Uncertain significance. Last evaluated: 2026-03-27. Review status: criteria provided, single submitter. Criteria: GeneDx Variant Classification Process June 2021. Collection method: clinical testing. Allele origin: germline.
Comment: Not observed at significant frequency in large population cohorts (gnomAD); In-frame duplication of 4 amino acid(s) in a non-repeat region; Has not been previously published as pathogenic or benign to our knowledge